The following is an entry in ClinVar:

ClinVar aggregate classification (germline): Pathogenic (1 of 4 stars; one submission).

Conditions:
Hereditary cancer-predisposing syndrome. Also called: Hereditary Cancer Syndrome; Neoplastic Syndromes, Hereditary; Hereditary neoplastic syndrome; Tumor predisposition. Identifiers: Orphanet 140162, MedGen C0027672, MeSH D009386, MONDO:0015356.

Submission:

Ambry Genetics
Classification: Pathogenic for Hereditary cancer-predisposing syndrome. Last evaluated: 2024-10-15. Review status: criteria provided, single submitter. Criteria: Ambry Variant Classification Scheme 2023. Collection method: clinical testing. Allele origin: germline.
Comment: The c.642+1G>C intronic pathogenic mutation results from a G to C substitution one nucleotide after coding exon 6 of the SDHB gene. This variant has been observed in at least one individual with a personal and/or family history that is consistent with SDHB-related paraganglioma-pheochromocytoma syndrome (Ambry internal data). This nucleotide position is highly conserved in available vertebrate species. In silico splice site analysis predicts that this alteration will weaken the native splice donor site; however, direct evidence is insufficient at this time (Ambry internal data). This variant is considered to be rare based on population cohorts in the Genome Aggregation Database (gnomAD). Alterations that disrupt the canonical splice site are expected to cause aberrant splicing, resulting in an abnormal protein or a transcript that is subject to nonsense-mediated mRNA decay. As such, this alteration is interpreted as a disease-causing mutation.

Literature cited by the submitters: PubMed 31492822.

NM_003000.3(SDHB):c.642+1G>C

Gene: SDHB (succinate dehydrogenase complex iron sulfur subunit B; minus strand). Cytogenetic location: 1p36.13.
Variant type: single nucleotide variant.
Coding change: c.642+1G>C on transcript NM_003000.3 (MANE Select); the canonical splice donor site of the intron after coding-DNA position 642, G replaced by C.
Molecular consequence: splice donor variant.
Genome position (GRCh38, 1-based): chr1:17,023,972, C>G on the plus strand (G>C on the coding strand, the complement: SDHB is on the minus strand). VCF-style: chr1-17023972-C-G. GRCh37 (hg19) VCF-style: chr1-17350467-C-G.
Other names: c.588+1G>C (NM_001407361.1).
Identifiers: ClinVar variation 428921 (VCV000428921.6), dbSNP rs1131691052, ClinGen allele CA338270920.